The following is an entry in ClinVar:

ClinVar aggregate classification (germline): Uncertain significance. Review status: criteria provided, multiple submitters, no conflicts (2 of 4 stars). 2 submissions from 2 submitters: Uncertain significance (2). Last evaluated 2024-05-17.

Conditions:
Dilated cardiomyopathy 1J (CMD1J). Also called: CARDIOMYOPATHY, DILATED, WITH SENSORINEURAL HEARING LOSS, AUTOSOMAL DOMINANT. Identifiers: Orphanet 217622, MedGen C1854368, MONDO:0011541, OMIM 605362.

gnomAD v4.1: 24 of 1,605,672 alleles (0.0015%); highest among the groups gnomAD compares: Non-Finnish European, 0.0019%; no homozygotes.

Submissions (2):

Labcorp Genetics (formerly Invitae), Labcorp
Classification: Uncertain significance for Dilated cardiomyopathy 1J. Last evaluated: 2024-05-17. Review status: criteria provided, single submitter. Criteria: Invitae Variant Classification Sherloc (09022015). Collection method: clinical testing. Allele origin: germline.
Comment: This sequence change replaces phenylalanine, which is neutral and non-polar, with leucine, which is neutral and non-polar, at codon 245 of the EYA4 protein (p.Phe245Leu). This variant is not present in population databases (gnomAD no frequency). This variant has not been reported in the literature in individuals affected with EYA4-related conditions. An algorithm developed to predict the effect of missense changes on protein structure and function (PolyPhen-2) suggests that this variant is likely to be disruptive. In summary, the available evidence is currently insufficient to determine the role of this variant in disease. Therefore, it has been classified as a Variant of Uncertain Significance.

GeneDx
Classification: Uncertain significance. Last evaluated: 2024-04-05. Review status: criteria provided, single submitter. Criteria: GeneDx Variant Classification Process June 2021. Collection method: clinical testing. Allele origin: germline. Affected: yes.
Comment: Not observed at significant frequency in large population cohorts (gnomAD); In silico analysis indicates that this missense variant does not alter protein structure/function; Has not been previously published as pathogenic or benign to our knowledge

NM_004100.5(EYA4):c.735T>G (p.Phe245Leu)

Gene: EYA4 (EYA transcriptional coactivator and phosphatase 4; plus strand). Cytogenetic location: 6q23.2.
Variant type: single nucleotide variant.
Coding change: c.735T>G on transcript NM_004100.5 (MANE Select); coding-DNA position 735, T replaced by G.
Protein change: p.Phe245Leu; replaces phenylalanine 245 with leucine.
Molecular consequence: missense variant.
Genome position (GRCh38, 1-based): chr6:133,464,789, T>G. VCF-style: chr6-133464789-T-G. GRCh37 (hg19) VCF-style: chr6-133785927-T-G.
Other names: c.573T>G, p.Phe191Leu (NM_001301012.2, NM_001370459.1); c.735T>G, p.Phe245Leu (NM_001301013.2, NM_172105.4); c.666T>G, p.Phe222Leu (NM_001370458.1, NM_172103.4); short protein forms F191L, F222L, F245L.
Identifiers: ClinVar variation 3371967 (VCV003371967.3).